The following is an entry in ClinVar:

ClinVar aggregate classification (germline): Conflicting classifications of pathogenicity. Review status: criteria provided, conflicting classifications (1 of 4 stars). 4 submissions from 4 submitters: Uncertain significance (3); Likely benign (1). Last evaluated 2025-10-09.

Conditions:
Ovarian cancer. Also called: OVARIAN CANCER, SOMATIC. Identifiers: Orphanet 213500, MedGen C1140680, MONDO:0008170, OMIM 167000.
Familial cancer of breast. Also called: BREAST CANCER, FAMILIAL; Hereditary breast cancer; hereditary breast carcinoma. Identifiers: Orphanet 227535, MedGen C0346153, MONDO:0016419, OMIM 114480. Disease mechanism: loss of function.
Breast and/or ovarian cancer. Identifiers: MedGen CN221562.
Hereditary diffuse gastric adenocarcinoma (HDGC). Also called: DIFFUSE GASTRIC AND LOBULAR BREAST CANCER SYNDROME. Identifiers: Orphanet 26106, MedGen C1708349, MONDO:0007648, OMIM 137215.
Hereditary cancer-predisposing syndrome. Also called: Hereditary neoplastic syndrome; Neoplastic Syndromes, Hereditary; Tumor predisposition; Hereditary Cancer Syndrome. Identifiers: Orphanet 140162, MedGen C0027672, MeSH D009386, MONDO:0015356.

Allele frequency attached by ClinVar (database versions not stated): gnomAD exomes below 0.00001; TOPMed 0.00001.
gnomAD v4.1: 1 of 1,614,136 alleles (0.000062%); highest among the groups gnomAD compares: East Asian, 0.0022%; no homozygotes.

Submissions (4):

Labcorp Genetics (formerly Invitae), Labcorp
Classification: Uncertain significance for Hereditary diffuse gastric adenocarcinoma. Last evaluated: 2025-10-09. Review status: criteria provided, single submitter. Criteria: Invitae Variant Classification Sherloc (09022015). Collection method: clinical testing. Allele origin: germline.
Comment: This sequence change replaces proline, which is neutral and non-polar, with arginine, which is basic and polar, at codon 88 of the CDH1 protein (p.Pro88Arg). This variant is present in population databases (no rsID available, gnomAD 0.006%). This missense change has been observed in individual(s) with gastric and pancreatic cancer (PMID: 35171259). ClinVar contains an entry for this variant (Variation ID: 483254). An algorithm developed to predict the effect of missense changes on protein structure and function (PolyPhen-2) suggests that this variant is likely to be disruptive. In summary, the available evidence is currently insufficient to determine the role of this variant in disease. Therefore, it has been classified as a Variant of Uncertain Significance.

Ambry Genetics
Classification: Likely benign for Hereditary cancer-predisposing syndrome. Last evaluated: 2024-01-24. Review status: criteria provided, single submitter. Criteria: Ambry Variant Classification Scheme 2023. Collection method: clinical testing. Allele origin: germline.

Department of Pathology and Laboratory Medicine, Sinai Health System
Classification: Uncertain significance for Familial cancer of breast; Ovarian cancer. Last evaluated: 2022-10-20. Review status: criteria provided, single submitter. Criteria: ACMG Guidelines, 2015. Collection method: clinical testing. Allele origin: germline. Affected: yes.

CHEO Genetics Diagnostic Laboratory, Children's Hospital of Eastern Ontario
Classification: Uncertain significance for Breast and/or ovarian cancer. Last evaluated: 2022-02-25. Review status: criteria provided, single submitter. Criteria: ACMG Guidelines, 2015. Collection method: clinical testing. Allele origin: germline.

Literature cited by the submitters: PubMed 35171259 (cited by Labcorp Genetics (formerly Invitae), Labcorp).

NM_004360.5(CDH1):c.263C>G (p.Pro88Arg)

Gene: CDH1 (cadherin 1; plus strand). Cytogenetic location: 16q22.1.
Variant type: single nucleotide variant.
Coding change: c.263C>G on transcript NM_004360.5 (MANE Select); coding-DNA position 263, C replaced by G.
Protein change: p.Pro88Arg; replaces proline 88 with arginine.
Molecular consequence: missense variant. On other transcripts: 5 prime UTR variant (2).
Genome position (GRCh38, 1-based): chr16:68,801,769, C>G. VCF-style: chr16-68801769-C-G. GRCh37 (hg19) VCF-style: chr16-68835672-C-G.
Other names: c.263C>G (LRG_301t1); c.263C>G, p.Pro88Arg (NM_001317184.2); c.-1353C>G (NM_001317185.2); c.-1557C>G (NM_001317186.2); short protein forms P88R.
Identifiers: ClinVar variation 483254 (VCV000483254.17), dbSNP rs1381409755, ClinGen allele CA396457265.